The following is an entry in ClinVar:

NM_001042545.2(LTBP4):c.2578_2579delinsTT (p.Glu860Leu)

Gene: LTBP4 (latent transforming growth factor beta binding protein 4; plus strand). Cytogenetic location: 19q13.2.
Variant type: Indel.
Coding change: c.2578_2579delinsTT on transcript NM_001042545.2 (MANE Select); coding-DNA positions 2578 to 2579, GA replaced by TT.
Protein change: p.Glu860Leu; replaces glutamic acid 860 with leucine.
Molecular consequence: missense variant.
Genome position (GRCh38, 1-based): chr19:40,613,936-40,613,937, GA replaced by TT. VCF-style: chr19-40613936-GA-TT. GRCh37 (hg19) VCF-style: chr19-41119842-GA-TT.
Other names: c.2779_2780delinsTT, p.Glu927Leu (NM_001042544.1); c.2668_2669delinsTT, p.Glu890Leu (NM_003573.2); short protein forms E860L, E890L, E927L.
Identifiers: ClinVar variation 1311360 (VCV001311360.2), dbSNP rs2146033481, ClinGen allele CA2573054770.

ClinVar aggregate classification (germline): Uncertain significance (1 of 4 stars; one submission).

Submission:

GeneDx
Classification: Uncertain significance. Last evaluated: 2019-12-13. Review status: criteria provided, single submitter. Criteria: GeneDx Variant Classification Process June 2021. Collection method: clinical testing. Allele origin: germline. Affected: yes.
Comment: Not observed in large population cohorts (Lek et al., 2016); In silico analysis, which includes protein predictors and evolutionary conservation, supports a deleterious effect; Has not been previously published as pathogenic or benign to our knowledge